The following is an entry in ClinVar:

NM_024422.6(DSC2):c.155T>A (p.Val52Asp)

Gene: DSC2 (desmocollin 2; minus strand). Cytogenetic location: 18q12.1.
Variant type: single nucleotide variant.
Coding change: c.155T>A on transcript NM_024422.6 (MANE Select); coding-DNA position 155, T replaced by A.
Protein change: p.Val52Asp; replaces valine 52 with aspartic acid.
Molecular consequence: missense variant.
Genome position (GRCh38, 1-based): chr18:31,092,300, A>T on the plus strand (T>A on the coding strand, the complement: DSC2 is on the minus strand). VCF-style: chr18-31092300-A-T. GRCh37 (hg19) VCF-style: chr18-28672263-A-T.
Other names: c.-275T>A (NM_001406506.1, NM_001406507.1); c.155T>A, p.Val52Asp (NM_004949.5); short protein forms V52D.
Identifiers: ClinVar variation 2121785 (VCV002121785.4), dbSNP rs1987629779, ClinGen allele CA402114996.
Genomic context (GRCh38, chr18:31,092,300, plus strand): 5'-TGGAAGTCAGGATCACTTGAATGAATTAGATTTGCAGCTGTAAAGCACTCTTTCAGGTTA[A>T]CTGTAGAAAATATGCACAGCAATCATTTTTAAAGTAAAACATAGGATATAGTTTTAACAG-3'
Protein context (NP_077740.1, residues 42-62): KLDAEKLVGR[Val52Asp]NLKECFTAAN

ClinVar aggregate classification (germline): Uncertain significance (1 of 4 stars; one submission).

Conditions:
Arrhythmogenic right ventricular dysplasia 11. Also called: Arrhythmogenic right ventricular dysplasia 11 with mild palmoplantar keratoderma and woolly hair; Arrhythmogenic Right Ventricular Dysplasia/Cardiomyopathy11; ARRHYTHMOGENIC RIGHT VENTRICULAR DYSPLASIA, FAMILIAL, 11. Identifiers: MedGen C1864850, MONDO:0012506, OMIM 610476.

gnomAD v4.1: 1 of 1,612,664 alleles (0.000062%); highest among the groups gnomAD compares: South Asian, 0.0011%; no homozygotes.

Submission:

Labcorp Genetics (formerly Invitae), Labcorp
Classification: Uncertain significance for Arrhythmogenic right ventricular dysplasia 11. Last evaluated: 2024-04-17. Review status: criteria provided, single submitter. Criteria: Invitae Variant Classification Sherloc (09022015). Collection method: clinical testing. Allele origin: germline.
Comment: This sequence change replaces valine, which is neutral and non-polar, with aspartic acid, which is acidic and polar, at codon 52 of the DSC2 protein (p.Val52Asp). This variant is not present in population databases (gnomAD no frequency). This variant has not been reported in the literature in individuals affected with DSC2-related conditions. ClinVar contains an entry for this variant (Variation ID: 2121785). An algorithm developed to predict the effect of missense changes on protein structure and function (PolyPhen-2) suggests that this variant is likely to be disruptive. In summary, the available evidence is currently insufficient to determine the role of this variant in disease. Therefore, it has been classified as a Variant of Uncertain Significance.